The following is an entry in ClinVar:

NM_002439.5(MSH3):c.1922T>C (p.Ile641Thr)

Gene: MSH3 (mutS homolog 3; plus strand). Cytogenetic location: 5q14.1.
Variant type: single nucleotide variant.
Coding change: c.1922T>C on transcript NM_002439.5 (MANE Select); coding-DNA position 1922, T replaced by C.
Protein change: p.Ile641Thr; replaces isoleucine 641 with threonine.
Molecular consequence: missense variant.
Genome position (GRCh38, 1-based): chr5:80,767,958, T>C. VCF-style: chr5-80767958-T-C. GRCh37 (hg19) VCF-style: chr5-80063777-T-C.
Other names: short protein forms I641T.
Identifiers: ClinVar variation 652859 (VCV000652859.12), dbSNP rs1580033721, ClinGen allele CA360277483.

ClinVar aggregate classification (germline): Uncertain significance. Review status: criteria provided, multiple submitters, no conflicts (2 of 4 stars). 3 submissions from 3 submitters: Uncertain significance (3). Last evaluated 2025-04-23.

Conditions:
Hereditary cancer-predisposing syndrome. Also called: Neoplastic Syndromes, Hereditary; Tumor predisposition; Hereditary Cancer Syndrome; Hereditary neoplastic syndrome. Identifiers: Orphanet 140162, MedGen C0027672, MeSH D009386, MONDO:0015356.

Allele frequency attached by ClinVar (database versions not stated): gnomAD exomes below 0.00001.
gnomAD v4.1: 4 of 1,612,358 alleles (0.00025%); highest among the groups gnomAD compares: Non-Finnish European, 0.00034%; no homozygotes.

Submissions (3):

Labcorp Genetics (formerly Invitae), Labcorp
Classification: Uncertain significance. Last evaluated: 2025-04-23. Review status: criteria provided, single submitter. Criteria: Invitae Variant Classification Sherloc (09022015). Collection method: clinical testing. Allele origin: germline.
Comment: This sequence change replaces isoleucine, which is neutral and non-polar, with threonine, which is neutral and polar, at codon 641 of the MSH3 protein (p.Ile641Thr). This variant is not present in population databases (gnomAD no frequency). This variant has not been reported in the literature in individuals affected with MSH3-related conditions. ClinVar contains an entry for this variant (Variation ID: 652859). An algorithm developed to predict the effect of missense changes on protein structure and function (PolyPhen-2) suggests that this variant is likely to be tolerated. In summary, the available evidence is currently insufficient to determine the role of this variant in disease. Therefore, it has been classified as a Variant of Uncertain Significance.

GeneDx
Classification: Uncertain significance. Last evaluated: 2025-03-25. Review status: criteria provided, single submitter. Criteria: GeneDx Variant Classification Process June 2021. Collection method: clinical testing. Allele origin: germline. Affected: yes.
Comment: Not observed at significant frequency in large population cohorts (gnomAD); In silico analysis supports that this missense variant has a deleterious effect on protein structure/function; Has not been previously published as pathogenic or benign to our knowledge

Ambry Genetics
Classification: Uncertain significance for Hereditary cancer-predisposing syndrome. Last evaluated: 2024-05-23. Review status: criteria provided, single submitter. Criteria: Ambry Variant Classification Scheme 2023. Collection method: clinical testing. Allele origin: germline.
Comment: The p.I641T variant (also known as c.1922T>C), located in coding exon 14 of the MSH3 gene, results from a T to C substitution at nucleotide position 1922. The isoleucine at codon 641 is replaced by threonine, an amino acid with similar properties. This amino acid position is highly conserved in available vertebrate species. In addition, the in silico prediction for this alteration is inconclusive. Since supporting evidence is limited at this time, the clinical significance of this alteration remains unclear.